The following is an entry in ClinVar:

NM_024675.4(PALB2):c.26T>G (p.Leu9Arg)

Gene: PALB2 (partner and localizer of BRCA2; minus strand). Cytogenetic location: 16p12.2.
Variant type: single nucleotide variant.
Coding change: c.26T>G on transcript NM_024675.4 (MANE Select); coding-DNA position 26, T replaced by G.
Protein change: p.Leu9Arg; replaces leucine 9 with arginine.
Molecular consequence: missense variant. On other transcripts: 5 prime UTR variant (10).
Genome position (GRCh38, 1-based): chr16:23,641,132, A>C on the plus strand (T>G on the coding strand, the complement: PALB2 is on the minus strand). VCF-style: chr16-23641132-A-C. GRCh37 (hg19) VCF-style: chr16-23652453-A-C.
Other names: c.26T>G, p.Leu9Arg (NM_001407296.1, NM_001407297.1, NM_001407298.1 and 5 more transcripts); c.-1718T>G (NM_001407304.1, NM_001407310.1); c.-994T>G (NM_001407305.1, NM_001407307.1, NM_001407309.1 and 1 more transcripts); c.-843T>G (NM_001407306.1, NM_001407308.1); c.-127T>G (NM_001407312.1, NM_001407313.1); short protein forms L9R.
Identifiers: ClinVar variation 4861482 (VCV004861482.1).

ClinVar aggregate classification (germline): Uncertain significance (1 of 4 stars; one submission).

Conditions:
Hereditary cancer-predisposing syndrome. Also called: Neoplastic Syndromes, Hereditary; Tumor predisposition; Hereditary Cancer Syndrome; Hereditary neoplastic syndrome. Identifiers: Orphanet 140162, MedGen C0027672, MeSH D009386, MONDO:0015356.

Submission:

Ambry Genetics
Classification: Uncertain significance for Hereditary cancer-predisposing syndrome. Last evaluated: 2026-04-05. Review status: criteria provided, single submitter. Criteria: Ambry Variant Classification Scheme 2023. Collection method: clinical testing. Allele origin: germline.
Comment: The p.L9R variant (also known as c.26T>G), located in coding exon 1 of the PALB2 gene, results from a T to G substitution at nucleotide position 26. The leucine at codon 9 is replaced by arginine, an amino acid with dissimilar properties. This amino acid position is conserved. In addition, the in silico prediction for this alteration is inconclusive. Based on the available evidence, the clinical significance of this variant remains unclear.